The following is an entry in ClinVar:

ClinVar aggregate classification (germline): Likely pathogenic (1 of 4 stars; one submission).

Conditions:
DOCK6-related disorder. Also called: DOCK6-related condition.

gnomAD v4.1: 1 of 1,595,022 alleles (0.000063%); highest among the groups gnomAD compares: Admixed American, 0.0018%; no homozygotes.

Submission:

PreventionGenetics, part of Exact Sciences
Classification: Likely pathogenic for DOCK6-related condition. Last evaluated: 2025-06-17. Review status: criteria provided, single submitter. Criteria: ACMG Guidelines, 2015. Collection method: clinical testing. Allele origin: germline.
Comment: The DOCK6 c.1971+1G>A variant is predicted to disrupt the GT donor site and interfere with normal splicing. This variant is predicted to disrupt a consensus splice donor site (SpliceAI, Jaganathan et al. 2019. PubMed ID: 30661751). To our knowledge, this variant has not been reported in the literature. This variant is reported in 0.0033% of alleles in individuals of Latino descent in gnomAD. Variants that disrupt the consensus splice donor site in DOCK6 are expected to be pathogenic. This variant is interpreted as likely pathogenic.

NM_020812.4(DOCK6):c.1971+1G>A

Gene: DOCK6 (dedicator of cytokinesis 6; minus strand). Cytogenetic location: 19p13.2.
Variant type: single nucleotide variant.
Coding change: c.1971+1G>A on transcript NM_020812.4 (MANE Select); the canonical splice donor site of the intron after coding-DNA position 1971, G replaced by A.
Molecular consequence: splice donor variant.
Genome position (GRCh38, 1-based): chr19:11,237,640, C>T on the plus strand (G>A on the coding strand, the complement: DOCK6 is on the minus strand). VCF-style: chr19-11237640-C-T. GRCh37 (hg19) VCF-style: chr19-11348316-C-T.
Other names: c.1971+1G>A (NM_001367830.1).
Identifiers: ClinVar variation 5002298 (VCV005002298.1), dbSNP rs1372903813.
Genomic context (GRCh38, chr19:11,237,640, plus strand): 5'-GTCTGCGGCCAGGTTGGGGGACGAGGAGGGCTCAGGGGGAGGGAGGGAGGGGACGGCTCA[C>T]AGTAAAGCCCACGGGTGTCTCCAGGGCAGTGCCCGGCCGGGGCTGGCAGCTGACATGGTA-3'